The following is an entry in ClinVar:

ClinVar aggregate classification (germline): Uncertain significance (1 of 4 stars; one submission).

Conditions:
Angelman syndrome-like. Identifiers: MedGen CN128785.
Developmental and epileptic encephalopathy, 2 (DEE2). Also called: INFANTILE SPASM SYNDROME, X-LINKED 2; CDKL5 deficiency disorder. Identifiers: Orphanet 1934, Orphanet 3451, Orphanet 505652, MedGen C4750718, MONDO:0010396, OMIM 300672.

gnomAD v4.1: 3 of 1,211,881 alleles (0.00025%); no homozygotes.

Submission:

Labcorp Genetics (formerly Invitae), Labcorp
Classification: Uncertain significance for Developmental and epileptic encephalopathy, 2; Angelman syndrome-like. Last evaluated: 2025-06-06. Review status: criteria provided, single submitter. Criteria: Invitae Variant Classification Sherloc (09022015). Collection method: clinical testing. Allele origin: germline.
Comment: This sequence change replaces methionine, which is neutral and non-polar, with valine, which is neutral and non-polar, at codon 577 of the CDKL5 protein (p.Met577Val). This variant is present in population databases (no rsID available, gnomAD 0.006%). This variant has not been reported in the literature in individuals affected with CDKL5-related conditions. Invitae Evidence Modeling of protein sequence and biophysical properties (such as structural, functional, and spatial information, amino acid conservation, physicochemical variation, residue mobility, and thermodynamic stability) indicates that this missense variant is not expected to disrupt CDKL5 protein function with a negative predictive value of 95%. In summary, the available evidence is currently insufficient to determine the role of this variant in disease. Therefore, it has been classified as a Variant of Uncertain Significance.

NM_001323289.2(CDKL5):c.1729A>G (p.Met577Val)

Gene: CDKL5 (cyclin dependent kinase like 5; plus strand). Cytogenetic location: Xp22.13.
Variant type: single nucleotide variant.
Coding change: c.1729A>G on transcript NM_001323289.2 (MANE Select); coding-DNA position 1729, A replaced by G.
Protein change: p.Met577Val; replaces methionine 577 with valine.
Molecular consequence: missense variant.
Genome position (GRCh38, 1-based): chrX:18,604,653, A>G. VCF-style: chrX-18604653-A-G. GRCh37 (hg19) VCF-style: chrX-18622773-A-G.
Other names: c.1729A>G, p.Met577Val (NM_001037343.2, NM_003159.3); short protein forms M577V.
Identifiers: ClinVar variation 4789426 (VCV004789426.1).